The following is an entry in ClinVar:

ClinVar aggregate classification (germline): Likely benign (1 of 4 stars; one submission).

gnomAD v4.1: 116 of 1,545,964 alleles (0.0075%); highest among the groups gnomAD compares: Admixed American, 0.088%; no homozygotes.

Submission:

CeGaT Center for Human Genetics Tuebingen
Classification: Likely benign. Last evaluated: 2024-07-01. Review status: criteria provided, single submitter. Criteria: CeGaT Center For Human Genetics Tuebingen Variant Classification Criteria Version 2. Collection method: clinical testing. Allele origin: germline. Affected: yes. Observed: 1 variant allele.
Comment: KCTD1: BP4, BP7

NM_001142730.3(KCTD1):c.1443C>A (p.Ala481=)

Gene: KCTD1 (potassium channel tetramerization domain containing 1; minus strand). Cytogenetic location: 18q11.2.
Variant type: single nucleotide variant.
Coding change: c.1443C>A on transcript NM_001142730.3 (MANE Select); coding-DNA position 1443, C replaced by A.
Protein change: p.Ala481=; no amino-acid change (alanine 481 retained).
Molecular consequence: synonymous variant. On other transcripts: intron variant (5).
Genome position (GRCh38, 1-based): chr18:26,547,094, G>T on the plus strand (C>A on the coding strand, the complement: KCTD1 is on the minus strand). VCF-style: chr18-26547094-G-T. GRCh37 (hg19) VCF-style: chr18-24127058-G-T.
Other names: c.10-45844C>A (NM_001258222.3); c.-15-45844C>A (NM_198991.4); c.-16+2635C>A (NM_001258221.2); c.-16+2150C>A (NM_001351443.1); c.-16+1797C>A (NM_001136205.2).
Identifiers: ClinVar variation 3257203 (VCV003257203.17).
Genomic context (GRCh38, chr18:26,547,094, plus strand): 5'-GTGGGAGGGATGGGTGGGGGGGTGGTGGGAGTGGTGCCGTGCCGCCCCGTTCAGAGCCTC[G>T]GCGTAGCAGCCCTGCGGGGCGGGCGAGCCCAGCTTGGTGCCAATGCCCGCGATGCTGTTG-3'
Protein context (NP_001136202.1, residues 471-491): LGSPAPQGCY[Ala481=]EALNGAARHH